The following is an entry in ClinVar:

ClinVar aggregate classification (germline): Uncertain significance (1 of 4 stars; one submission).

Conditions:
Cardiovascular phenotype. Identifiers: MedGen CN230736.

Submission:

Ambry Genetics
Classification: Uncertain significance for Cardiovascular phenotype. Last evaluated: 2025-02-04. Review status: criteria provided, single submitter. Criteria: Ambry Variant Classification Scheme 2023. Collection method: clinical testing. Allele origin: germline.
Comment: The p.R1272G variant (also known as c.3814A>G), located in coding exon 26 of the ABCA1 gene, results from an A to G substitution at nucleotide position 3814. The arginine at codon 1272 is replaced by glycine, an amino acid with dissimilar properties. This amino acid position is conserved. In addition, the in silico prediction for this alteration is inconclusive. Based on the available evidence, the clinical significance of this variant remains unclear.

NM_005502.4(ABCA1):c.3814A>G (p.Arg1272Gly)

Gene: ABCA1 (ATP binding cassette subfamily A member 1; minus strand). Cytogenetic location: 9q31.1.
Variant type: single nucleotide variant.
Coding change: c.3814A>G on transcript NM_005502.4 (MANE Select); coding-DNA position 3814, A replaced by G.
Protein change: p.Arg1272Gly; replaces arginine 1272 with glycine.
Molecular consequence: missense variant.
Genome position (GRCh38, 1-based): chr9:104,814,205, T>C on the plus strand (A>G on the coding strand, the complement: ABCA1 is on the minus strand). VCF-style: chr9-104814205-T-C. GRCh37 (hg19) VCF-style: chr9-107576486-T-C.
Other names: short protein forms R1272G.
Identifiers: ClinVar variation 3834042 (VCV003834042.1).